The following is an entry in ClinVar:

NM_002202.3(ISL1):c.137C>T (p.Ala46Val)

Gene: ISL1 (ISL LIM homeobox 1; plus strand). Cytogenetic location: 5q11.1.
Variant type: single nucleotide variant.
Coding change: c.137C>T on transcript NM_002202.3 (MANE Select); coding-DNA position 137, C replaced by T.
Protein change: p.Ala46Val; replaces alanine 46 with valine.
Molecular consequence: missense variant.
Genome position (GRCh38, 1-based): chr5:51,384,649, C>T. VCF-style: chr5-51384649-C-T. GRCh37 (hg19) VCF-style: chr5-50680483-C-T.
Other names: short protein forms A46V.
Identifiers: ClinVar variation 3353241 (VCV003353241.2).

ClinVar aggregate classification (germline): Uncertain significance (1 of 4 stars; one submission).

Conditions:
ISL1-related disorder. Also called: ISL1-related condition.

gnomAD v4.1: 18 of 1,613,868 alleles (0.0011%); highest among the groups gnomAD compares: Non-Finnish European, 0.0014%; no homozygotes.

Submission:

PreventionGenetics, part of Exact Sciences
Classification: Uncertain significance for ISL1-related condition. Last evaluated: 2026-08-03. Review status: criteria provided, single submitter. Criteria: ACMG Guidelines, 2015. Collection method: clinical testing. Allele origin: germline.
Comment: The ISL1 c.137C>T variant is predicted to result in the amino acid substitution p.Ala46Val. To our knowledge, this variant has not been reported in individuals with ISL1-related disease or in a large population database, indicating this variant is rare. At this time, the clinical significance of this variant is uncertain due to the absence of conclusive functional and genetic evidence.